The following is an entry in ClinVar:

NM_205836.3(FBXO38):c.173G>T (p.Arg58Leu)

Gene: FBXO38 (F-box protein 38; plus strand). Cytogenetic location: 5q32.
Variant type: single nucleotide variant.
Coding change: c.173G>T on transcript NM_205836.3 (MANE Select); coding-DNA position 173, G replaced by T.
Protein change: p.Arg58Leu; replaces arginine 58 with leucine.
Molecular consequence: missense variant.
Genome position (GRCh38, 1-based): chr5:148,399,043, G>T. VCF-style: chr5-148399043-G-T. GRCh37 (hg19) VCF-style: chr5-147778606-G-T.
Other names: c.173G>T, p.Arg58Leu (NM_001271723.2, NM_030793.5); short protein forms R58L.
Identifiers: ClinVar variation 1932794 (VCV001932794.5), dbSNP rs760456022, ClinGen allele CA361654152.
Genomic context (GRCh38, chr5:148,399,043, plus strand): 5'-TCTTTCTCTCACAAAGGTACCTCCCTCTGCAGGATATCATGTGTATGGAATGTCTTTCCC[G>T]GAAGCTAAAGGAAGCAGTGACCCTATATCTGCGAGTTGTGAGAGTTGTAGATCTCTGTGC-3'
Protein context (NP_995308.1, residues 48-68): QDIMCMECLS[Arg58Leu]KLKEAVTLYL

ClinVar aggregate classification (germline): Uncertain significance (1 of 4 stars; one submission).

Conditions:
Distal hereditary motor neuropathy type 2. Identifiers: Orphanet 139525, MedGen C3711384, MeSH C580044, MONDO:0015352.

gnomAD v4.1: 1 of 1,613,348 alleles (0.000062%); highest among the groups gnomAD compares: South Asian, 0.0011%; no homozygotes.

Submission:

Labcorp Genetics (formerly Invitae), Labcorp
Classification: Uncertain significance for Distal hereditary motor neuropathy type 2. Last evaluated: 2023-03-03. Review status: criteria provided, single submitter. Criteria: Invitae Variant Classification Sherloc (09022015). Collection method: clinical testing. Allele origin: germline.
Comment: This sequence change replaces arginine, which is basic and polar, with leucine, which is neutral and non-polar, at codon 58 of the FBXO38 protein (p.Arg58Leu). This variant is not present in population databases (gnomAD no frequency). In summary, the available evidence is currently insufficient to determine the role of this variant in disease. Therefore, it has been classified as a Variant of Uncertain Significance. Advanced modeling of protein sequence and biophysical properties (such as structural, functional, and spatial information, amino acid conservation, physicochemical variation, residue mobility, and thermodynamic stability) has been performed at Invitae for this missense variant, however the output from this modeling did not meet the statistical confidence thresholds required to predict the impact of this variant on FBXO38 protein function. ClinVar contains an entry for this variant (Variation ID: 1932794). This variant has not been reported in the literature in individuals affected with FBXO38-related conditions.